The following is an entry in ClinVar:

ClinVar aggregate classification (germline): Uncertain significance (1 of 4 stars; one submission).

Allele frequency attached by ClinVar (database versions not stated): gnomAD exomes 0.00001; ExAC 0.00002.
gnomAD v4.1: 23 of 1,613,578 alleles (0.0014%); highest among the groups gnomAD compares: Non-Finnish European, 0.0016%; no homozygotes.

Submission:

Labcorp Genetics (formerly Invitae), Labcorp
Classification: Uncertain significance. Last evaluated: 2022-10-03. Review status: criteria provided, single submitter. Criteria: Invitae Variant Classification Sherloc (09022015). Collection method: clinical testing. Allele origin: germline.
Comment: Algorithms developed to predict the effect of missense changes on protein structure and function are either unavailable or do not agree on the potential impact of this missense change (SIFT: "Deleterious"; PolyPhen-2: "Probably Damaging"; Align-GVGD: "Class C0"). In summary, the available evidence is currently insufficient to determine the role of this variant in disease. Therefore, it has been classified as a Variant of Uncertain Significance. This variant has not been reported in the literature in individuals affected with SON-related conditions. This variant is present in population databases (rs751273876, gnomAD 0.004%). This sequence change replaces asparagine, which is neutral and polar, with lysine, which is basic and polar, at codon 58 of the SON protein (p.Asn58Lys).

NM_138927.4(SON):c.174T>A (p.Asn58Lys)

Gene: SON (SON DNA and RNA binding protein; plus strand). Cytogenetic location: 21q22.11.
Variant type: single nucleotide variant.
Coding change: c.174T>A on transcript NM_138927.4 (MANE Select); coding-DNA position 174, T replaced by A.
Protein change: p.Asn58Lys; replaces asparagine 58 with lysine.
Molecular consequence: missense variant. On other transcripts: non-coding transcript variant (1).
Genome position (GRCh38, 1-based): chr21:33,546,309, T>A. VCF-style: chr21-33546309-T-A. GRCh37 (hg19) VCF-style: chr21-34918615-T-A.
Other names: c.174T>A, p.Asn58Lys (NM_001291411.2, NM_001291412.3, NM_001412132.1 and 4 more transcripts); short protein forms N58K.
Identifiers: ClinVar variation 1991957 (VCV001991957.4), dbSNP rs751273876, ClinGen allele CA10008609.
Genomic context (GRCh38, chr21:33,546,309, plus strand): 5'-TACACCCATTGAAGGAAACCAGGCGGGTGATGCAGCTGCCTCTGCCAGGAGTCTACCAAA[T>A]GAAGAAATAGTGCAGAAGATAGAGGAAGTACTTTCTGGGGTCTTAGATACAGAACTACGA-3'
Protein context (NP_620305.3, residues 48-68): DAAASARSLP[Asn58Lys]EEIVQKIEEV